The following is an entry in ClinVar:

ClinVar aggregate classification (germline): Uncertain significance (1 of 4 stars; one submission).

Conditions:
Colorectal cancer, hereditary nonpolyposis, type 7. Identifiers: Orphanet 144, MedGen C1858380, MONDO:0013725, OMIM 614385.

Submission:

Labcorp Genetics (formerly Invitae), Labcorp
Classification: Uncertain significance for Colorectal cancer, hereditary nonpolyposis, type 7. Last evaluated: 2021-10-07. Review status: criteria provided, single submitter. Criteria: Invitae Variant Classification Sherloc (09022015). Collection method: clinical testing. Allele origin: germline.
Comment: In summary, the available evidence is currently insufficient to determine the role of this variant in disease. Therefore, it has been classified as a Variant of Uncertain Significance. This variant has not been reported in the literature in individuals affected with MLH3-related conditions. This variant is not present in population databases (ExAC no frequency). This sequence change creates a premature translational stop signal (p.Ser276Valfs*15) in the MLH3 gene. It is expected to result in an absent or disrupted protein product. However, the current clinical and genetic evidence is not sufficient to establish whether loss-of-function variants in MLH3 cause disease.

NM_001040108.2(MLH3):c.826del (p.Ser276fs)

Gene: MLH3 (mutL homolog 3; minus strand). Cytogenetic location: 14q24.3.
Variant type: Deletion.
Coding change: c.826del on transcript NM_001040108.2 (MANE Select); coding-DNA position 826, one base deleted (A; older notation c.826delA).
Protein change: p.Ser276fs; shifts the reading frame from serine 276.
Molecular consequence: frameshift variant.
Genome position (GRCh38, 1-based): chr14:75,048,830, T deleted on the plus strand (A on the coding strand, the reverse complement: MLH3 is on the minus strand); the first of 3 consecutive T bases (chr14:75,048,830-75,048,832); deleting any one gives the same sequence. VCF-style (leftmost placement, unchanged base first): chr14-75048829-CT-C. GRCh37 (hg19) VCF-style: chr14-75515532-CT-C.
Other names: c.826del, p.Ser276fs (NM_014381.3); short protein forms S276fs.
Identifiers: ClinVar variation 1514586 (VCV001514586.6), dbSNP rs2139598363, ClinGen allele CA2573150195.